The following is an entry in ClinVar:

NM_000548.5(TSC2):c.3373C>A (p.Arg1125=)

Gene: TSC2 (TSC complex subunit 2; plus strand). Cytogenetic location: 16p13.3.
Variant type: single nucleotide variant.
Coding change: c.3373C>A on transcript NM_000548.5 (MANE Select); coding-DNA position 3373, C replaced by A.
Protein change: p.Arg1125=; no amino-acid change (arginine 1125 retained).
Molecular consequence: synonymous variant. On other transcripts: non-coding transcript variant (5).
Genome position (GRCh38, 1-based): chr16:2,079,645, C>A. VCF-style: chr16-2079645-C-A. GRCh37 (hg19) VCF-style: chr16-2129646-C-A.
Other names: c.3241C>A, p.Arg1081= (NM_001077183.3, NM_001370404.1, NM_001406665.1); c.3373C>A, p.Arg1125= (NM_001114382.3); c.3133C>A, p.Arg1045= (NM_001318827.2); c.3097C>A, p.Arg1033= (NM_001318829.2); c.2641C>A, p.Arg881= (NM_001318831.2, NM_001406687.1, NM_001406688.1); c.3274C>A, p.Arg1092= (NM_001318832.2); c.3244C>A, p.Arg1082= (NM_001363528.2, NM_001370405.1, NM_021055.3); c.3370C>A, p.Arg1124= (NM_001406663.1, NM_001406664.1); and 18 more.
Identifiers: ClinVar variation 2057348 (VCV002057348.5), dbSNP rs747420910, ClinGen allele CA492955310.

ClinVar aggregate classification (germline): Conflicting classifications of pathogenicity. Review status: criteria provided, conflicting classifications (1 of 4 stars). 2 submissions from 2 submitters: Uncertain significance (1); Benign (1). Last evaluated 2025-05-28.

Conditions:
Tuberous sclerosis 2 (TSC2). Identifiers: Orphanet 805, MedGen C1860707, MONDO:0013199, OMIM 613254.

Submissions (2):

Myriad Genetics, Inc.
Classification: Benign for Tuberous sclerosis 2. Last evaluated: 2025-05-28. Review status: criteria provided, single submitter. Criteria: Myriad Autosomal Dominant, Autosomal Recessive and X-Linked Classification Criteria (2023). Collection method: clinical testing. Allele origin: unknown.
Comment: This variant is considered benign. This variant is a silent/synonymous amino acid change and it is not expected to impact splicing.

Labcorp Genetics (formerly Invitae), Labcorp
Classification: Uncertain significance for Tuberous sclerosis 2. Last evaluated: 2023-03-26. Review status: criteria provided, single submitter. Criteria: Invitae Variant Classification Sherloc (09022015). Collection method: clinical testing. Allele origin: germline.
Comment: In summary, the available evidence is currently insufficient to determine the role of this variant in disease. Therefore, it has been classified as a Variant of Uncertain Significance. Algorithms developed to predict the effect of sequence changes on RNA splicing suggest that this variant may disrupt the consensus splice site. ClinVar contains an entry for this variant (Variation ID: 2057348). This variant has not been reported in the literature in individuals affected with TSC2-related conditions. This variant is not present in population databases (gnomAD no frequency). This sequence change affects codon 1125 of the TSC2 mRNA. It is a 'silent' change, meaning that it does not change the encoded amino acid sequence of the TSC2 protein.